The following is an entry in ClinVar:

NM_001035.3(RYR2):c.814C>T (p.Arg272Cys)

Gene: RYR2 (ryanodine receptor 2; plus strand). Cytogenetic location: 1q43.
Variant type: single nucleotide variant.
Coding change: c.814C>T on transcript NM_001035.3 (MANE Select); coding-DNA position 814, C replaced by T.
Protein change: p.Arg272Cys; replaces arginine 272 with cysteine.
Molecular consequence: missense variant.
Genome position (GRCh38, 1-based): chr1:237,417,089, C>T. VCF-style: chr1-237417089-C-T. GRCh37 (hg19) VCF-style: chr1-237580389-C-T.
Other names: c.814C>T, p.Arg272Cys (LRG_402t1); short protein forms R272C.
Identifiers: ClinVar variation 655675 (VCV000655675.14), dbSNP rs771847292, ClinGen allele CA087572.

ClinVar aggregate classification (germline): Uncertain significance. Review status: criteria provided, multiple submitters, no conflicts (2 of 4 stars). 4 submissions from 4 submitters: Uncertain significance (4). Last evaluated 2025-11-17.

Conditions:
Catecholaminergic polymorphic ventricular tachycardia (CVPT). Also called: Catecholamine-induced polymorphic ventricular tachycardia. Identifiers: Orphanet 3286, MedGen C5574922, MONDO:0017990.
Cardiomyopathy (CMYO). Also called: Cardiomyopathies. Identifiers: Orphanet 167848, MedGen C0878544, MONDO:0004994, HP:0001638. Inheritance: Various modes of inheritance.
Catecholaminergic polymorphic ventricular tachycardia 1. Also called: RYR2-Related Catecholaminergic Polymorphic Ventricular Tachycardia; VENTRICULAR TACHYCARDIA, CATECHOLAMINERGIC POLYMORPHIC, 1, WITH OR WITHOUT ATRIAL DYSFUNCTION AND/OR DILATED CARDIOMYOPATHY; VENTRICULAR TACHYCARDIA, STRESS-INDUCED POLYMORPHIC 1. Identifiers: Orphanet 3286, MedGen C1631597, MONDO:0011484, OMIM 604772.
Cardiovascular phenotype. Identifiers: MedGen CN230736.

Allele frequency attached by ClinVar (database versions not stated): gnomAD exomes below 0.00001; ExAC 0.00001.
gnomAD v4.1: 4 of 1,613,824 alleles (0.00025%); highest among the groups gnomAD compares: Non-Finnish European, 0.00034%; no homozygotes.

Submissions (4):

Labcorp Genetics (formerly Invitae), Labcorp
Classification: Uncertain significance for Catecholaminergic polymorphic ventricular tachycardia 1. Last evaluated: 2025-11-17. Review status: criteria provided, single submitter. Criteria: Invitae Variant Classification Sherloc (09022015). Collection method: clinical testing. Allele origin: germline.
Comment: This sequence change replaces arginine, which is basic and polar, with cysteine, which is neutral and slightly polar, at codon 272 of the RYR2 protein (p.Arg272Cys). This variant is present in population databases (rs771847292, gnomAD 0.0009%). This missense change has been observed in individual(s) with clinical features of RYR2-related conditions (PMID: 33325730). ClinVar contains an entry for this variant (Variation ID: 655675). Invitae Evidence Modeling of protein sequence and biophysical properties (such as structural, functional, and spatial information, amino acid conservation, physicochemical variation, residue mobility, and thermodynamic stability) has been performed for this missense variant. However, the output from this modeling did not meet the statistical confidence thresholds required to predict the impact of this variant on RYR2 protein function. In summary, the available evidence is currently insufficient to determine the role of this variant in disease. Therefore, it has been classified as a Variant of Uncertain Significance.

Ambry Genetics
Classification: Uncertain significance for Cardiovascular phenotype. Last evaluated: 2025-07-28. Review status: criteria provided, single submitter. Criteria: Ambry Variant Classification Scheme 2023. Collection method: clinical testing. Allele origin: germline.
Comment: The p.R272C variant (also known as c.814C>T), located in coding exon 11 of the RYR2 gene, results from a C to T substitution at nucleotide position 814. The arginine at codon 272 is replaced by cysteine, an amino acid with highly dissimilar properties. This amino acid position is highly conserved in available vertebrate species. In addition, this alteration is predicted to be deleterious by in silico analysis. Based on the available evidence, the clinical significance of this variant remains unclear.

Color Diagnostics, LLC DBA Color Health
Classification: Uncertain significance for Cardiomyopathy. Last evaluated: 2025-07-10. Review status: criteria provided, single submitter. Criteria: ACMG Guidelines, 2015. Collection method: clinical testing. Allele origin: germline.
Comment: This missense variant replaces arginine with cysteine at codon 272 of the RYR2 protein. Computational prediction is inconclusive regarding the impact of this variant on protein structure and function. To our knowledge, functional studies have not been reported for this variant. This variant has been reported in an individual affected with hypoplastic left heart syndrome (PMID: 33325730). The proband's mother and twin sibling were healthy carriers with normal echocardiogram. This variant has been identified in 1/249146 chromosomes in the general population by the Genome Aggregation Database (gnomAD). The available evidence is insufficient to determine the role of this variant in disease conclusively. Therefore, this variant is classified as a Variant of Uncertain Significance.

All of Us Research Program, National Institutes of Health
Classification: Uncertain significance for Catecholaminergic polymorphic ventricular tachycardia. Last evaluated: 2023-10-30. Review status: criteria provided, single submitter. Criteria: ACMG Guidelines, 2015. Collection method: clinical testing. Allele origin: germline. Inheritance: Autosomal dominant inheritance. Observed: 3 variant alleles, 3 heterozygotes.
Comment: This missense variant replaces arginine with cysteine at codon 272 of the RYR2 protein. Computational prediction is inconclusive regarding the impact of this variant on protein structure and function (internally defined REVEL score threshold 0.5 < inconclusive < 0.7, PMID: 27666373). To our knowledge, functional studies have not been reported for this variant. This variant has been reported in a proband affected with hypoplastic left heart syndrome, as well as in another four family members including two with confirmed heart diseases and two with normal echocardiograms (PMID: 33325730). This variant has been identified in 1/249146 chromosomes in the general population by the Genome Aggregation Database (gnomAD). The available evidence is insufficient to determine the role of this variant in disease conclusively. Therefore, this variant is classified as a Variant of Uncertain Significance.

This study involves interpretation of variants in research participants for the purpose of population health screening. Participant phenotype was not available at the time of variant classification. Additional details can be found in publication PMID: 35346344, PMCID: PMC8962531

Literature cited by the submitters: PubMed 33325730 (cited by 3 submitters).